The following is an entry in ClinVar:

ClinVar aggregate classification (germline): Uncertain significance (1 of 4 stars; one submission).

Conditions:
Ataxia-telangiectasia syndrome (AT). Also called: Ataxia-telangiectasia, complementation group E; AT, COMPLEMENTATION GROUP C; ATAXIA-TELANGIECTASIA, COMPLEMENTATION GROUP A; ATAXIA-TELANGIECTASIA, FRESNO VARIANT; Ataxia-telangiectasia; LOUIS-BAR SYNDROME. Identifiers: Orphanet 100, MedGen C0004135, MONDO:0008840, OMIM 208900.

Submission:

Labcorp Genetics (formerly Invitae), Labcorp
Classification: Uncertain significance for Ataxia-telangiectasia syndrome. Last evaluated: 2020-06-04. Review status: criteria provided, single submitter. Criteria: Invitae Variant Classification Sherloc (09022015). Collection method: clinical testing. Allele origin: germline.
Comment: Algorithms developed to predict the effect of missense changes on protein structure and function output the following: SIFT: "Tolerated"; PolyPhen-2: "Benign"; Align-GVGD: "Class C0". The serine amino acid residue is found in multiple mammalian species, suggesting that this missense change does not adversely affect protein function. These predictions have not been confirmed by published functional studies and their clinical significance is uncertain. In summary, the available evidence is currently insufficient to determine the role of this variant in disease. Therefore, it has been classified as a Variant of Uncertain Significance. This variant has not been reported in the literature in individuals with ATM-related conditions. ClinVar contains an entry for this variant (Variation ID: 220766). This variant is not present in population databases (ExAC no frequency). This sequence change replaces proline with serine at codon 383 of the ATM protein (p.Pro383Ser). The proline residue is moderately conserved and there is a moderate physicochemical difference between proline and serine.

NM_000051.4(ATM):c.1147C>T (p.Pro383Ser)

Gene: ATM (ATM serine/threonine kinase; plus strand). Cytogenetic location: 11q22.3.
Variant type: single nucleotide variant.
Coding change: c.1147C>T on transcript NM_000051.4 (MANE Select); coding-DNA position 1147, C replaced by T.
Protein change: p.Pro383Ser; replaces proline 383 with serine.
Molecular consequence: missense variant.
Genome position (GRCh38, 1-based): chr11:108,249,014, C>T. VCF-style: chr11-108249014-C-T. GRCh37 (hg19) VCF-style: chr11-108119741-C-T.
Other names: c.1147C>T, p.Pro383Ser (NM_001351834.2); short protein forms P383S.
Identifiers: ClinVar variation 220766 (VCV000220766.9), dbSNP rs864622650, ClinGen allele CA350319.
Genomic context (GRCh38, chr11:108,249,014, plus strand): 5'-TCCTTGGAGATTTCTCAATCTTACACTACTACACAAAGAGAATCTAGTGATTACAGTGTC[C>T]CTTGCAAAAGGAAGAAAATAGAACTAGGCTGGGAAGTAATAAAAGATCACCTTCAGAAGT-3'
Protein context (NP_000042.3, residues 373-393): TQRESSDYSV[Pro383Ser]CKRKKIELGW